The following is an entry in ClinVar:

ClinVar aggregate classification (germline): Uncertain significance (1 of 4 stars; one submission).

Submission:

GeneDx
Classification: Uncertain significance. Last evaluated: 2022-03-23. Review status: criteria provided, single submitter. Criteria: GeneDx Variant Classification Process June 2021. Collection method: clinical testing. Allele origin: germline. Affected: yes.
Comment: Not observed at significant frequency in large population cohorts (gnomAD); Nonsense variant predicted to result in protein truncation or nonsense mediated decay in a gene or region of a gene for which loss of function is not a well-established mechanism of disease; Has not been previously published as pathogenic or benign to our knowledge; Variants in candidate genes are classified as variants of uncertain significance in accordance with ACMG guidelines (Richards et al., 2015)

NM_001128.6(AP1G1):c.1327C>T (p.Gln443Ter)

Gene: AP1G1 (adaptor related protein complex 1 subunit gamma 1; minus strand). Cytogenetic location: 16q22.2.
Variant type: single nucleotide variant.
Coding change: c.1327C>T on transcript NM_001128.6 (MANE Select); coding-DNA position 1327, C replaced by T.
Protein change: p.Gln443Ter; replaces glutamine 443 with a stop codon.
Molecular consequence: nonsense.
Genome position (GRCh38, 1-based): chr16:71,750,290, G>A on the plus strand (C>T on the coding strand, the complement: AP1G1 is on the minus strand). VCF-style: chr16-71750290-G-A. GRCh37 (hg19) VCF-style: chr16-71784193-G-A.
Other names: c.1336C>T, p.Gln446Ter (NM_001030007.2); short protein forms Q443*, Q446*.
Identifiers: ClinVar variation 3342467 (VCV003342467.1).
Genomic context (GRCh38, chr16:71,750,290, plus strand): 5'-TTGCTTTGTACAGGCGCTGGACAGTATAGGCATGCATCTCCACACTATTAGTTATTAACT[G>A]GATTAAATTGGGGACTGCATCATCACGAACATAACTTCCTGCCTAAAAGGAAATGCAGAC-3'